The following is an entry in ClinVar:

NM_001903.5(CTNNA1):c.2253G>C (p.Glu751Asp)

Gene: CTNNA1 (catenin alpha 1; plus strand). Cytogenetic location: 5q31.2.
Variant type: single nucleotide variant.
Coding change: c.2253G>C on transcript NM_001903.5 (MANE Select); coding-DNA position 2253, G replaced by C.
Protein change: p.Glu751Asp; replaces glutamic acid 751 with aspartic acid.
Molecular consequence: missense variant.
Genome position (GRCh38, 1-based): chr5:138,930,890, G>C. VCF-style: chr5-138930890-G-C. GRCh37 (hg19) VCF-style: chr5-138266579-G-C.
Other names: c.1143G>C, p.Glu381Asp (NM_001323999.1, NM_001324000.1, NM_001324001.1 and 17 more transcripts); c.804G>C, p.Glu268Asp (NM_001324006.1, NM_001324007.1, NM_001324008.1 and 2 more transcripts); c.2253G>C, p.Glu751Asp (NM_001290307.3, NM_001323982.2, NM_001323983.1 and 2 more transcripts); c.1944G>C, p.Glu648Asp (NM_001290309.3); c.1884G>C, p.Glu628Asp (NM_001290310.3); c.2160G>C, p.Glu720Asp (NM_001323986.2); c.1050G>C, p.Glu350Asp (NM_001324011.1); c.900G>C, p.Glu300Asp (NM_001324012.1, NM_001324013.1); short protein forms E300D, E350D, E381D, E648D, E751D, E268D, E628D, E720D.
Identifiers: ClinVar variation 4007951 (VCV004007951.1).
Genomic context (GRCh38, chr5:138,930,890, plus strand): 5'-AGGTAAAGGACCACTCAAAAATACATCGGATGTCATCAGTGCTGCCAAGAAAATTGCTGA[G>C]GCAGGATCCAGGATGGACAAGCTTGGCCGCACCATTGCAGACCATGTAAGTGACAGACTT-3'
Protein context (NP_001894.2, residues 741-761): DVISAAKKIA[Glu751Asp]AGSRMDKLGR

ClinVar aggregate classification (germline): Uncertain significance (1 of 4 stars; one submission).

Conditions:
Hereditary cancer-predisposing syndrome. Also called: Tumor predisposition; Hereditary neoplastic syndrome; Neoplastic Syndromes, Hereditary; Hereditary Cancer Syndrome. Identifiers: Orphanet 140162, MedGen C0027672, MeSH D009386, MONDO:0015356.

gnomAD v4.1: 1 of 1,614,132 alleles (0.000062%); no homozygotes.

Submission:

Ambry Genetics
Classification: Uncertain significance for Hereditary cancer-predisposing syndrome. Last evaluated: 2025-05-10. Review status: criteria provided, single submitter. Criteria: Ambry Variant Classification Scheme 2023. Collection method: clinical testing. Allele origin: germline.
Comment: The p.E751D variant (also known as c.2253G>C), located in coding exon 15 of the CTNNA1 gene, results from a G to C substitution at nucleotide position 2253. The glutamic acid at codon 751 is replaced by aspartic acid, an amino acid with highly similar properties. This amino acid position is conserved. In addition, this alteration is predicted to be tolerated by in silico analysis. Based on the available evidence, the clinical significance of this variant remains unclear.